The following is an entry in ClinVar:

ClinVar aggregate classification (germline): Uncertain significance (1 of 4 stars; one submission).

Conditions:
Granulomatous disease, chronic, autosomal recessive, cytochrome b-positive, type 2. Also called: Chronic granulomatous disease due to deficiency of NCF-2; Chronic Granulomatous Disease, Autosomal Recessive, Cytochrome b-Positive, Type II; GRANULOMATOUS DISEASE, CHRONIC, AUTOSOMAL RECESSIVE, 2; CGD, AUTOSOMAL RECESSIVE CYTOCHROME b-POSITIVE, TYPE II; GRANULOMATOUS DISEASE, CHRONIC, DUE TO NCF2 DEFICIENCY. Identifiers: Orphanet 379, MedGen C1856245, MONDO:0009310, OMIM 233710.

Allele frequency attached by ClinVar (database versions not stated): TOPMed below 0.00001; ExAC 0.00001.
gnomAD v4.1: 1 of 1,614,160 alleles (0.000062%); highest among the groups gnomAD compares: Non-Finnish European, 0.000085%; no homozygotes.

Submission:

Labcorp Genetics (formerly Invitae), Labcorp
Classification: Uncertain significance for Granulomatous disease, chronic, autosomal recessive, cytochrome b-positive, type 2. Last evaluated: 2022-02-21. Review status: criteria provided, single submitter. Criteria: Invitae Variant Classification Sherloc (09022015). Collection method: clinical testing. Allele origin: germline.
Comment: In summary, the available evidence is currently insufficient to determine the role of this variant in disease. Therefore, it has been classified as a Variant of Uncertain Significance. Algorithms developed to predict the effect of missense changes on protein structure and function are either unavailable or do not agree on the potential impact of this missense change (SIFT: "Tolerated"; PolyPhen-2: "Possibly Damaging"; Align-GVGD: "Class C0"). This variant has not been reported in the literature in individuals affected with NCF2-related conditions. This variant is not present in population databases (gnomAD no frequency). This sequence change replaces glutamine, which is neutral and polar, with arginine, which is basic and polar, at codon 189 of the NCF2 protein (p.Gln189Arg).

NM_000433.4(NCF2):c.566A>G (p.Gln189Arg)

Gene: NCF2 (neutrophil cytosolic factor 2; minus strand). Cytogenetic location: 1q25.3.
Variant type: single nucleotide variant.
Coding change: c.566A>G on transcript NM_000433.4 (MANE Select); coding-DNA position 566, A replaced by G.
Protein change: p.Gln189Arg; replaces glutamine 189 with arginine.
Molecular consequence: missense variant. On other transcripts: intron variant (1).
Genome position (GRCh38, 1-based): chr1:183,573,228, T>C on the plus strand (A>G on the coding strand, the complement: NCF2 is on the minus strand). VCF-style: chr1-183573228-T-C. GRCh37 (hg19) VCF-style: chr1-183542363-T-C.
Other names: c.566A>G, p.Gln189Arg (NM_001127651.3); c.431A>G, p.Gln144Arg (NM_001190794.2); c.367-2389A>G (NM_001190789.2); short protein forms Q189R, Q144R.
Identifiers: ClinVar variation 2070433 (VCV002070433.4), dbSNP rs750131635, ClinGen allele CA1284924.